The following is an entry in ClinVar:

NM_001282933.2(ZNF341):c.2237C>A (p.Pro746His)

Genes: ZNF341 (zinc finger protein 341; plus strand), ZNF341-AS1 (ZNF341 antisense RNA 1; minus strand). Cytogenetic location: 20q11.22.
Variant type: single nucleotide variant.
Coding change: c.2237C>A on transcript NM_001282933.2 (MANE Select); coding-DNA position 2237, C replaced by A.
Protein change: p.Pro746His; replaces proline 746 with histidine.
Molecular consequence: missense variant. On other transcripts: non-coding transcript variant (1).
Genome position (GRCh38, 1-based): chr20:33,791,189, C>A. VCF-style: chr20-33791189-C-A. GRCh37 (hg19) VCF-style: chr20-32378995-C-A.
Other names: c.1967C>A, p.Pro656His (NM_001282935.2); c.2216C>A, p.Pro739His (NM_032819.5); short protein forms P746H, P656H, P739H.
Identifiers: ClinVar variation 2160306 (VCV002160306.2), dbSNP rs773579457, ClinGen allele CA9819749.

ClinVar aggregate classification (germline): Uncertain significance (1 of 4 stars; one submission).

Allele frequency attached by ClinVar (database versions not stated): ExAC 0.00002; gnomAD 0.00004.
gnomAD v4.1: 89 of 1,612,932 alleles (0.0055%); highest among the groups gnomAD compares: Non-Finnish European, 0.0063%; 1 homozygote.

Submission:

Labcorp Genetics (formerly Invitae), Labcorp
Classification: Uncertain significance. Last evaluated: 2022-05-25. Review status: criteria provided, single submitter. Criteria: Invitae Variant Classification Sherloc (09022015). Collection method: clinical testing. Allele origin: germline.
Comment: This variant has not been reported in the literature in individuals affected with ZNF341-related conditions. Algorithms developed to predict the effect of missense changes on protein structure and function (SIFT, PolyPhen-2, Align-GVGD) all suggest that this variant is likely to be tolerated. In summary, the available evidence is currently insufficient to determine the role of this variant in disease. Therefore, it has been classified as a Variant of Uncertain Significance. This variant is present in population databases (rs773579457, gnomAD 0.007%). This sequence change replaces proline, which is neutral and non-polar, with histidine, which is basic and polar, at codon 739 of the ZNF341 protein (p.Pro739His).